The following is an entry in ClinVar:

NM_152564.5(VPS13B):c.7968G>A (p.Trp2656Ter)

Gene: VPS13B (vacuolar protein sorting 13 homolog B; plus strand). Cytogenetic location: 8q22.2.
Variant type: single nucleotide variant.
Coding change: c.7968G>A on transcript NM_152564.5 (MANE Select); coding-DNA position 7968, G replaced by A.
Protein change: p.Trp2656Ter; replaces tryptophan 2656 with a stop codon.
Molecular consequence: nonsense.
Genome position (GRCh38, 1-based): chr8:99,809,401, G>A. VCF-style: chr8-99809401-G-A. GRCh37 (hg19) VCF-style: chr8-100821629-G-A.
Other names: c.8043G>A, p.Trp2681Ter (NM_017890.5); short protein forms W2656*, W2681*.
Identifiers: ClinVar variation 1457906 (VCV001457906.6), dbSNP rs766484806, ClinGen allele CA4824356.

ClinVar aggregate classification (germline): Pathogenic (1 of 4 stars; one submission).

Conditions:
Cohen syndrome (COH1). Also called: PEPPER SYNDROME; Cutis verticis gyrata, retinitis pigmentosa, and sensorineural deafness. Identifiers: Orphanet 193, MedGen C0265223, MONDO:0008999, OMIM 216550.

Allele frequency attached by ClinVar (database versions not stated): gnomAD exomes below 0.00001; ExAC 0.00001; gnomAD 0.00001.
gnomAD v4.1: 3 of 1,613,774 alleles (0.00019%); highest among the groups gnomAD compares: Admixed American, 0.0017%; no homozygotes.

Submission:

Labcorp Genetics (formerly Invitae), Labcorp
Classification: Pathogenic for Cohen syndrome. Last evaluated: 2023-08-17. Review status: criteria provided, single submitter. Criteria: Invitae Variant Classification Sherloc (09022015). Collection method: clinical testing. Allele origin: germline.
Comment: For these reasons, this variant has been classified as Pathogenic. This sequence change creates a premature translational stop signal (p.Trp2681*) in the VPS13B gene. It is expected to result in an absent or disrupted protein product. Loss-of-function variants in VPS13B are known to be pathogenic (PMID: 15141358, 16648375, 20461111). This variant is present in population databases (rs766484806, gnomAD 0.003%). This variant has not been reported in the literature in individuals affected with VPS13B-related conditions. ClinVar contains an entry for this variant (Variation ID: 1457906).

Literature cited by the submitters: PubMed 15141358; PubMed 16648375; PubMed 20461111.